The following is an entry in ClinVar:

ClinVar aggregate classification (germline): Uncertain significance (1 of 4 stars; one submission).

Allele frequency attached by ClinVar (database versions not stated): gnomAD exomes below 0.00001.
gnomAD v4.1: 3 of 1,613,070 alleles (0.00019%); highest among the groups gnomAD compares: South Asian, 0.0011%; no homozygotes.

Submission:

CeGaT Center for Human Genetics Tuebingen
Classification: Uncertain significance. Last evaluated: 2023-11-01. Review status: criteria provided, single submitter. Criteria: CeGaT Center For Human Genetics Tuebingen Variant Classification Criteria Version 2. Collection method: clinical testing. Allele origin: germline. Affected: yes. Observed: 1 variant allele.
Comment: COL11A2: PM2, BP4

NM_080680.3(COL11A2):c.460G>A (p.Val154Met)

Gene: COL11A2 (collagen type XI alpha 2 chain; minus strand). Cytogenetic location: 6p21.32.
Variant type: single nucleotide variant.
Coding change: c.460G>A on transcript NM_080680.3 (MANE Select); coding-DNA position 460, G replaced by A.
Protein change: p.Val154Met; replaces valine 154 with methionine.
Molecular consequence: missense variant. On other transcripts: 5 prime UTR variant (3), non-coding transcript variant (1).
Genome position (GRCh38, 1-based): chr6:33,188,508, C>T on the plus strand (G>A on the coding strand, the complement: COL11A2 is on the minus strand). VCF-style: chr6-33188508-C-T. GRCh37 (hg19) VCF-style: chr6-33156285-C-T.
Other names: c.460G>A, p.Val154Met (NM_001163771.2, NM_001424108.1, NM_080679.3 and 1 more transcripts); c.-387G>A (NM_001424109.1, NM_001424110.1, NM_001424111.1); short protein forms V154M.
Identifiers: ClinVar variation 2673054 (VCV002673054.23), dbSNP rs983380062, ClinGen allele CA363611888.